The following is an entry in ClinVar:

ClinVar aggregate classification (germline): Uncertain significance. Review status: criteria provided, multiple submitters, no conflicts (2 of 4 stars). 2 submissions from 2 submitters: Uncertain significance (2). Last evaluated 2025-02-24.

Submissions (2):

Labcorp Genetics (formerly Invitae), Labcorp
Classification: Uncertain significance. Last evaluated: 2025-02-24. Review status: criteria provided, single submitter. Criteria: Invitae Variant Classification Sherloc (09022015). Collection method: clinical testing. Allele origin: germline.
Comment: This sequence change replaces histidine, which is basic and polar, with glutamine, which is neutral and polar, at codon 231 of the MMP9 protein (p.His231Gln). This variant is not present in population databases (gnomAD no frequency). This variant has not been reported in the literature in individuals affected with MMP9-related conditions. ClinVar contains an entry for this variant (Variation ID: 3397147). Invitae Evidence Modeling of protein sequence and biophysical properties (such as structural, functional, and spatial information, amino acid conservation, physicochemical variation, residue mobility, and thermodynamic stability) indicates that this missense variant is not expected to disrupt MMP9 protein function with a negative predictive value of 80%. In summary, the available evidence is currently insufficient to determine the role of this variant in disease. Therefore, it has been classified as a Variant of Uncertain Significance.

Ambry Genetics
Classification: Uncertain significance. Last evaluated: 2024-11-24. Review status: criteria provided, single submitter. Criteria: Ambry Variant Classification Scheme 2023. Collection method: clinical testing. Allele origin: germline.

NM_004994.3(MMP9):c.693C>A (p.His231Gln)

Gene: MMP9 (matrix metallopeptidase 9; plus strand). Cytogenetic location: 20q13.12.
Variant type: single nucleotide variant.
Coding change: c.693C>A on transcript NM_004994.3 (MANE Select); coding-DNA position 693, C replaced by A.
Protein change: p.His231Gln; replaces histidine 231 with glutamine.
Molecular consequence: missense variant.
Genome position (GRCh38, 1-based): chr20:46,011,186, C>A. VCF-style: chr20-46011186-C-A. GRCh37 (hg19) VCF-style: chr20-44639825-C-A.
Other names: short protein forms H231Q.
Identifiers: ClinVar variation 3397147 (VCV003397147.3).